The following is an entry in ClinVar:

NM_000053.4(ATP7B):c.1291T>G (p.Cys431Gly)

Gene: ATP7B (ATPase copper transporting beta; minus strand). Cytogenetic location: 13q14.3.
Variant type: single nucleotide variant.
Coding change: c.1291T>G on transcript NM_000053.4 (MANE Select); coding-DNA position 1291, T replaced by G.
Protein change: p.Cys431Gly; replaces cysteine 431 with glycine.
Molecular consequence: missense variant.
Genome position (GRCh38, 1-based): chr13:51,970,744, A>C on the plus strand (T>G on the coding strand, the complement: ATP7B is on the minus strand). VCF-style: chr13-51970744-A-C. GRCh37 (hg19) VCF-style: chr13-52544880-A-C.
Other names: p.Cys431Gly; c.1291T>G, p.Cys431Gly (NM_001330579.2, NM_001005918.3, NM_001330578.2); c.958T>G, p.Cys320Gly (NM_001243182.2); short protein forms C431G, C320G.
Identifiers: ClinVar variation 1414152 (VCV001414152.8), dbSNP rs145173864, ClinGen allele CA6989383.

ClinVar aggregate classification (germline): Uncertain significance. Review status: criteria provided, multiple submitters, no conflicts (2 of 4 stars). 4 submissions from 4 submitters: Uncertain significance (4). Last evaluated 2025-10-22.

Conditions:
Wilson disease (WND). Also called: Wilson's disease. Identifiers: Orphanet 905, MedGen C0019202, MONDO:0010200, OMIM 277900. Disease mechanism: loss of function.

gnomAD v4.1: 34 of 1,613,640 alleles (0.0021%); highest among the groups gnomAD compares: Non-Finnish European, 0.0028%; no homozygotes.

Submissions (4):

Mayo Clinic Laboratories, Mayo Clinic
Classification: Uncertain significance. Last evaluated: 2025-10-22. Review status: criteria provided, single submitter. Criteria: ACMG Guidelines, 2015. Collection method: clinical testing. Allele origin: germline. Observed: 1 variant allele.
Comment: BP4_moderate, PM2_supporting

Color Diagnostics, LLC DBA Color Health
Classification: Uncertain significance for Wilson disease. Last evaluated: 2025-08-14. Review status: criteria provided, single submitter. Criteria: ACMG Guidelines, 2015. Collection method: clinical testing. Allele origin: germline.
Comment: This missense variant replaces cysteine with glycine at codon 431 of the ATP7B protein. Computational prediction suggests that this variant may not impact protein structure and function. To our knowledge, functional studies have not been reported for this variant. This variant has not been reported in individuals affected with ATP7B-related disorders in the literature. This variant has been identified in 3/248176 chromosomes in the general population by the Genome Aggregation Database (gnomAD). The available evidence is insufficient to determine the role of this variant in disease conclusively. Therefore, this variant is classified as a Variant of Uncertain Significance.

Fulgent Genetics
Classification: Uncertain significance for Wilson disease. Last evaluated: 2024-05-24. Review status: criteria provided, single submitter. Criteria: ACMG Guidelines, 2015. Collection method: clinical testing. Allele origin: germline.

Labcorp Genetics (formerly Invitae), Labcorp
Classification: Uncertain significance for Wilson disease. Last evaluated: 2022-02-22. Review status: criteria provided, single submitter. Criteria: Invitae Variant Classification Sherloc (09022015). Collection method: clinical testing. Allele origin: germline.
Comment: This sequence change replaces cysteine, which is neutral and slightly polar, with glycine, which is neutral and non-polar, at codon 431 of the ATP7B protein (p.Cys431Gly). This variant is present in population databases (rs145173864, gnomAD 0.003%). This variant has not been reported in the literature in individuals affected with ATP7B-related conditions. Advanced modeling of protein sequence and biophysical properties (such as structural, functional, and spatial information, amino acid conservation, physicochemical variation, residue mobility, and thermodynamic stability) performed at Invitae indicates that this missense variant is not expected to disrupt ATP7B protein function. In summary, the available evidence is currently insufficient to determine the role of this variant in disease. Therefore, it has been classified as a Variant of Uncertain Significance.